The following is an entry in ClinVar:

NM_025144.4(ALPK1):c.1679C>T (p.Ser560Leu)

Gene: ALPK1 (alpha kinase 1; plus strand). Cytogenetic location: 4q25.
Variant type: single nucleotide variant.
Coding change: c.1679C>T on transcript NM_025144.4 (MANE Select); coding-DNA position 1679, C replaced by T.
Protein change: p.Ser560Leu; replaces serine 560 with leucine.
Molecular consequence: missense variant.
Genome position (GRCh38, 1-based): chr4:112,431,226, C>T. VCF-style: chr4-112431226-C-T. GRCh37 (hg19) VCF-style: chr4-113352382-C-T.
Other names: c.1679C>T, p.Ser560Leu (NM_001102406.2); c.1445C>T, p.Ser482Leu (NM_001253884.2); c.1679C>T (NM_025144.3); short protein forms S482L, S560L.
Identifiers: ClinVar variation 2764409 (VCV002764409.4), dbSNP rs748716449, ClinGen allele CA3046775.

ClinVar aggregate classification (germline): Uncertain significance. Review status: criteria provided, multiple submitters, no conflicts (2 of 4 stars). 2 submissions from 2 submitters: Uncertain significance (2). Last evaluated 2024-08-20.

Conditions:
Inborn genetic diseases. Identifiers: MedGen C0950123, MeSH D030342.

Allele frequency attached by ClinVar (database versions not stated): gnomAD exomes 0.00001; ExAC 0.00002.
gnomAD v4.1: 10 of 1,614,150 alleles (0.00062%); highest among the groups gnomAD compares: Admixed American, 0.0033%; no homozygotes.

Submissions (2):

Ambry Genetics
Classification: Uncertain significance for Inborn genetic diseases. Last evaluated: 2024-08-20. Review status: criteria provided, single submitter. Criteria: Ambry Variant Classification Scheme 2023. Collection method: clinical testing. Allele origin: germline.

Labcorp Genetics (formerly Invitae), Labcorp
Classification: Uncertain significance. Last evaluated: 2023-04-17. Review status: criteria provided, single submitter. Criteria: Invitae Variant Classification Sherloc (09022015). Collection method: clinical testing. Allele origin: germline.
Comment: In summary, the available evidence is currently insufficient to determine the role of this variant in disease. Therefore, it has been classified as a Variant of Uncertain Significance. Advanced modeling of protein sequence and biophysical properties (such as structural, functional, and spatial information, amino acid conservation, physicochemical variation, residue mobility, and thermodynamic stability) performed at Invitae indicates that this missense variant is not expected to disrupt ALPK1 protein function. This variant has not been reported in the literature in individuals affected with ALPK1-related conditions. This variant is present in population databases (rs748716449, gnomAD 0.003%). This sequence change replaces serine, which is neutral and polar, with leucine, which is neutral and non-polar, at codon 560 of the ALPK1 protein (p.Ser560Leu).